The following is an entry in ClinVar:

NM_000051.4(ATM):c.2541G>T (p.Met847Ile)

Gene: ATM (ATM serine/threonine kinase; plus strand). Cytogenetic location: 11q22.3.
Variant type: single nucleotide variant.
Coding change: c.2541G>T on transcript NM_000051.4 (MANE Select); coding-DNA position 2541, G replaced by T.
Protein change: p.Met847Ile; replaces methionine 847 with isoleucine.
Molecular consequence: missense variant.
Genome position (GRCh38, 1-based): chr11:108,267,245, G>T. VCF-style: chr11-108267245-G-T. GRCh37 (hg19) VCF-style: chr11-108137972-G-T.
Other names: c.2541G>T, p.Met847Ile (NM_001351834.2); short protein forms M847I.
Identifiers: ClinVar variation 3802881 (VCV003802881.1).

ClinVar aggregate classification (germline): Uncertain significance (1 of 4 stars; one submission).

Conditions:
Hereditary cancer-predisposing syndrome. Also called: Neoplastic Syndromes, Hereditary; Hereditary Cancer Syndrome; Tumor predisposition; Hereditary neoplastic syndrome. Identifiers: Orphanet 140162, MedGen C0027672, MeSH D009386, MONDO:0015356.

gnomAD v4.1: 1 of 1,614,076 alleles (0.000062%); highest among the groups gnomAD compares: Non-Finnish European, 0.000085%; no homozygotes.

Submission:

Ambry Genetics
Classification: Uncertain significance for Hereditary cancer-predisposing syndrome. Last evaluated: 2025-02-21. Review status: criteria provided, single submitter. Criteria: Ambry Variant Classification Scheme 2023. Collection method: clinical testing. Allele origin: germline.
Comment: The p.M847I variant (also known as c.2541G>T), located in coding exon 16 of the ATM gene, results from a G to T substitution at nucleotide position 2541. The methionine at codon 847 is replaced by isoleucine, an amino acid with highly similar properties. This amino acid position is conserved. In addition, this alteration is predicted to be tolerated by in silico analysis. Based on the available evidence, the clinical significance of this variant remains unclear.